The following is an entry in ClinVar:

ClinVar aggregate classification (germline): Uncertain significance. Review status: reviewed by expert panel (3 of 4 stars). 2 submissions from 2 submitters: Uncertain significance (1). 1 of the submissions does not count toward it. Last evaluated 2019-06-05.

Conditions:
Hereditary cancer-predisposing syndrome. Also called: Tumor predisposition; Hereditary Cancer Syndrome; Neoplastic Syndromes, Hereditary; Hereditary neoplastic syndrome. Identifiers: Orphanet 140162, MedGen C0027672, MeSH D009386, MONDO:0015356.
Breast-ovarian cancer, familial, susceptibility to, 2 (BROVCA2). Also called: BRCA2 Hereditary Breast and Ovarian Cancer. Identifiers: Orphanet 145, MedGen C2675520, MONDO:0012933, OMIM 612555. Disease mechanism: loss of function.

Allele frequency attached by ClinVar (database versions not stated): gnomAD exomes below 0.00001; ExAC 0.00001.
gnomAD v4.1: 4 of 1,614,122 alleles (0.00025%); highest among the groups gnomAD compares: South Asian, 0.0044%; no homozygotes.

Submissions (2):

Evidence-based Network for the Interpretation of Germline Mutant Alleles (ENIGMA)
Classification: Uncertain significance for Breast-ovarian cancer, familial, susceptibility to, 2. Last evaluated: 2019-06-05. Review status: reviewed by expert panel. Criteria: ENIGMA BRCA1/2 Classification Criteria (2015). Collection method: curation. Allele origin: germline.
Comment: Premature stop codon is located between the recognised high-risk truncating variant c.9924C>G (p.Tyr3308Ter) and the known low-risk truncating variant c.9976A>T (p.Lys3326Ter).

Ambry Genetics
Classification: Uncertain significance for Hereditary cancer-predisposing syndrome. Last evaluated: 2023-11-15. Review status: criteria provided, single submitter. Criteria: Ambry Variant Classification Scheme 2023. Collection method: clinical testing. Allele origin: germline. Not counted in ClinVar's aggregate classification.
Comment: The p.E3316* variant (also known as c.9946G>T), located in coding exon 26 of the BRCA2 gene, results from a G to T substitution at nucleotide position 9946. This changes the amino acid from a glutamic acid to a stop codon within coding exon 26. Premature stop codons are typically deleterious in nature, however, this stop codon occurs at the 3' terminus of BRCA2, is not expected to trigger nonsense-mediated mRNA decay, and removes only the last 102 amino acids of the protein. The exact functional impact of these removed amino acids is unknown at this time. Since supporting evidence is limited at this time, the clinical significance of this alteration remains unclear.

NM_000059.4(BRCA2):c.9946G>T (p.Glu3316Ter)

Gene: BRCA2 (BRCA2 DNA repair associated; plus strand). Cytogenetic location: 13q13.1.
Variant type: single nucleotide variant.
Coding change: c.9946G>T on transcript NM_000059.4 (MANE Select); coding-DNA position 9946, G replaced by T.
Protein change: p.Glu3316Ter; replaces glutamic acid 3316 with a stop codon.
Molecular consequence: nonsense.
Genome position (GRCh38, 1-based): chr13:32,398,459, G>T. VCF-style: chr13-32398459-G-T. GRCh37 (hg19) VCF-style: chr13-32972596-G-T.
Other names: short protein forms E3316*.
Identifiers: ClinVar variation 254637 (VCV000254637.7), dbSNP rs758051959, ClinGen allele CA6941458.
Genomic context (GRCh38, chr13:32,398,459, plus strand): 5'-AAGGCATTTCAGCCACCAAGGAGTTGTGGCACCAAATACGAAACACCCATAAAGAAAAAA[G>T]AACTGAATTCTCCTCAGATGACTCCATTTAAAAAATTCAATGAAATTTCTCTTTTGGAAA-3'